The following is an entry in ClinVar:

NM_001184880.2(PCDH19):c.1435G>A (p.Asp479Asn)

Gene: PCDH19 (protocadherin 19; minus strand). Cytogenetic location: Xq22.1.
Variant type: single nucleotide variant.
Coding change: c.1435G>A on transcript NM_001184880.2 (MANE Select); coding-DNA position 1435, G replaced by A.
Protein change: p.Asp479Asn; replaces aspartic acid 479 with asparagine.
Molecular consequence: missense variant.
Genome position (GRCh38, 1-based): chrX:100,407,163, C>T on the plus strand (G>A on the coding strand, the complement: PCDH19 is on the minus strand). VCF-style: chrX-100407163-C-T. GRCh37 (hg19) VCF-style: chrX-99662161-C-T.
Other names: c.1435G>A, p.Asp479Asn (NM_001105243.2, NM_020766.3); short protein forms D479N.
Identifiers: ClinVar variation 420880 (VCV000420880.4), dbSNP rs1064794763, ClinGen allele CA16621147.
Genomic context (GRCh38, chrX:100,407,163, plus strand): 5'-CCCGCACCTGCGACGGCACGATCTGGTAGGAGACACTGCCGTTGAGACCCAGGTCGGGGT[C>T]GCGAGCAGACACAGAGAGCAGATAGGCGCCAGGCGTGTTGTTCTCCTGCACAATGACCTG-3'
Protein context (NP_001171809.1, residues 469-489): GAYLLSVSAR[Asp479Asn]PDLGLNGSVS

ClinVar aggregate classification (germline): Conflicting classifications of pathogenicity. Review status: criteria provided, conflicting classifications (1 of 4 stars). 2 submissions from 2 submitters: Likely pathogenic (1); Uncertain significance (1). Last evaluated 2024-03-14.

Submissions (2):

Women's Health and Genetics/Laboratory Corporation of America, LabCorp
Classification: Uncertain significance. Last evaluated: 2024-03-14. Review status: criteria provided, single submitter. Criteria: LabCorp Variant Classification Summary - May 2015. Collection method: clinical testing. Allele origin: germline.
Comment: Variant summary: PCDH19 c.1435G>A (p.Asp479Asn) results in a conservative amino acid change located in the Cadherin-like domain (IPR002126) of the encoded protein sequence. Four of five in-silico tools predict a damaging effect of the variant on protein function. The variant was absent in 181524 control chromosomes (gnomAD). c.1435G>A has been reported in the literature as a de-novo variant in cis with another de-novo variant c.1372C>T (p.Y458H) in at-least one individual affected with features of PCDH19-related Developmental And Epileptic Encephalopathy, 9 (Smith_2018). To our knowledge, no experimental evidence demonstrating an impact on protein function has been reported. The following publication has been ascertained in the context of this evaluation (PMID: 29377098). ClinVar contains an entry for this variant (Variation ID: 420880). Based on the evidence outlined above, the variant was classified as VUS-possibly pathogenic.

GeneDx
Classification: Likely pathogenic. Last evaluated: 2016-08-25. Review status: criteria provided, single submitter. Criteria: GeneDx Variant Classification (06012015). Collection method: clinical testing. Allele origin: germline. Affected: yes.
Comment: A D479N variant that is likely pathogenic has been identified in the PCDH19 gene. The D479N variant has not been published as a pathogenic variant, nor has it been reported as a benign variant to our knowledge. It was not observed in approximately 6,300 individuals of European and African American ancestry in the NHLBI Exome Sequencing Project, indicating it is not a common benign variant in these populations. The D479N variant is a semi-conservative amino acid substitution, which may impact secondary protein structure as these residues differ in some properties. Additionally, this substitution occurs at a position that is conserved across species, and in silico analysis predicts this variant is probably damaging to the protein structure/function. Additionally, targeted parental test results indicate the D479N variant is apparently de novo. Therefore, we now interpret D479N as a likely pathogenic variant; however, the possibility that it is benign cannot be excluded

Literature cited by the submitters: PubMed 29377098 (cited by Women's Health and Genetics/Laboratory Corporation of America, LabCorp).